The following is an entry in ClinVar:

NM_002528.7(NTHL1):c.318_319del (p.Gly106_Thr107insTer)

Gene: NTHL1 (nth like DNA glycosylase 1; minus strand). Cytogenetic location: 16p13.3.
Variant type: Deletion.
Coding change: c.318_319del on transcript NM_002528.7 (MANE Select); coding-DNA positions 318 to 319, 2 bases deleted (GA; older notation c.318_319delGA).
Protein change: p.Gly106_Thr107insTer.
Molecular consequence: frameshift variant. On other transcripts: intron variant (1).
Genome position (GRCh38, 1-based): chr16:2,046,163-2,046,164, TC deleted on the plus strand (GA on the coding strand, the reverse complement: NTHL1 is on the minus strand). VCF-style (leftmost placement, unchanged base first): chr16-2046162-GTC-G. GRCh37 (hg19) VCF-style: chr16-2096163-GTC-G.
Other names: c.318_319del, p.Gly106_Thr107insTer (NM_001318193.2); c.24+116_24+117del (NM_001318194.2).
Identifiers: ClinVar variation 5025908 (VCV005025908.1).

ClinVar aggregate classification (germline): Pathogenic (1 of 4 stars; one submission).

Conditions:
Hereditary cancer-predisposing syndrome. Also called: Neoplastic Syndromes, Hereditary; Tumor predisposition; Hereditary neoplastic syndrome; Hereditary Cancer Syndrome. Identifiers: Orphanet 140162, MedGen C0027672, MeSH D009386, MONDO:0015356.

Submission:

Ambry Genetics
Classification: Pathogenic for Hereditary cancer-predisposing syndrome. Last evaluated: 2026-07-07. Review status: criteria provided, single submitter. Criteria: Ambry Variant Classification Scheme 2023. Collection method: clinical testing. Allele origin: germline.
Comment: The c.342_343delGA pathogenic mutation, located in coding exon 2 of the NTHL1 gene, results from a deletion of two nucleotides at nucleotide positions 342 to 343, causing a translational frameshift with a predicted alternate stop codon (p.T115*). This variant is considered to be rare based on population cohorts in the Genome Aggregation Database (gnomAD). This variant is expected to result in loss of function by premature protein truncation or nonsense-mediated mRNA decay. As such, this variant is interpreted as a disease-causing mutation.